The following is an entry in ClinVar:

NM_003482.4(KMT2D):c.8436G>C (p.Gln2812His)

Gene: KMT2D (lysine methyltransferase 2D; minus strand). Cytogenetic location: 12q13.12.
Variant type: single nucleotide variant.
Coding change: c.8436G>C on transcript NM_003482.4 (MANE Select); coding-DNA position 8436, G replaced by C.
Protein change: p.Gln2812His; replaces glutamine 2812 with histidine.
Molecular consequence: missense variant.
Genome position (GRCh38, 1-based): chr12:49,038,920, C>G on the plus strand (G>C on the coding strand, the complement: KMT2D is on the minus strand). VCF-style: chr12-49038920-C-G. GRCh37 (hg19) VCF-style: chr12-49432703-C-G.
Other names: short protein forms Q2812H.
Identifiers: ClinVar variation 4083237 (VCV004083237.1).

ClinVar aggregate classification (germline): Uncertain significance (1 of 4 stars; one submission).

Submission:

GeneDx
Classification: Uncertain significance. Last evaluated: 2025-03-11. Review status: criteria provided, single submitter. Criteria: GeneDx Variant Classification Process June 2021. Collection method: clinical testing. Allele origin: germline. Affected: yes.
Comment: Not observed at significant frequency in large population cohorts (gnomAD); In silico analysis indicates that this missense variant does not alter protein structure/function; Has not been previously published as pathogenic or benign to our knowledge.